The following is an entry in ClinVar:

NM_020297.4(ABCC9):c.2255T>C (p.Val752Ala)

Gene: ABCC9 (ATP binding cassette subfamily C member 9; minus strand). Cytogenetic location: 12p12.1.
Variant type: single nucleotide variant.
Coding change: c.2255T>C on transcript NM_020297.4 (MANE Select); coding-DNA position 2255, T replaced by C.
Protein change: p.Val752Ala; replaces valine 752 with alanine.
Molecular consequence: missense variant.
Genome position (GRCh38, 1-based): chr12:21,863,037, A>G on the plus strand (T>C on the coding strand, the complement: ABCC9 is on the minus strand). VCF-style: chr12-21863037-A-G. GRCh37 (hg19) VCF-style: chr12-22015971-A-G.
Other names: c.2255T>C, p.Val752Ala (NM_001377273.1, NM_005691.4); c.1388T>C, p.Val463Ala (NM_001377274.1); short protein forms V463A, V752A.
Identifiers: ClinVar variation 2755732 (VCV002755732.3), dbSNP rs1488726376, ClinGen allele CA384130099.

ClinVar aggregate classification (germline): Uncertain significance (1 of 4 stars; one submission).

Conditions:
Dilated cardiomyopathy 1O (CMD1O). Also called: CARDIOMYOPATHY, DILATED, WITH VENTRICULAR TACHYCARDIA. Identifiers: Orphanet 154, MedGen C1837839, MONDO:0012062, OMIM 608569.

Submission:

Labcorp Genetics (formerly Invitae), Labcorp
Classification: Uncertain significance for Dilated cardiomyopathy 1O. Last evaluated: 2023-11-01. Review status: criteria provided, single submitter. Criteria: Invitae Variant Classification Sherloc (09022015). Collection method: clinical testing. Allele origin: germline.
Comment: This sequence change replaces valine, which is neutral and non-polar, with alanine, which is neutral and non-polar, at codon 752 of the ABCC9 protein (p.Val752Ala). This variant is not present in population databases (gnomAD no frequency). This variant has not been reported in the literature in individuals affected with ABCC9-related conditions. Advanced modeling of protein sequence and biophysical properties (such as structural, functional, and spatial information, amino acid conservation, physicochemical variation, residue mobility, and thermodynamic stability) has been performed at Invitae for this missense variant, however the output from this modeling did not meet the statistical confidence thresholds required to predict the impact of this variant on ABCC9 protein function. In summary, the available evidence is currently insufficient to determine the role of this variant in disease. Therefore, it has been classified as a Variant of Uncertain Significance.